The following is an entry in ClinVar:

ClinVar aggregate classification (germline): Uncertain significance (1 of 4 stars; one submission).

Allele frequency attached by ClinVar (database versions not stated): gnomAD exomes below 0.00001; TOPMed below 0.00001.
gnomAD v4.1: 1 of 1,614,210 alleles (0.000062%); highest among the groups gnomAD compares: Non-Finnish European, 0.000085%; no homozygotes.

Submission:

Labcorp Genetics (formerly Invitae), Labcorp
Classification: Uncertain significance. Last evaluated: 2022-04-10. Review status: criteria provided, single submitter. Criteria: Invitae Variant Classification Sherloc (09022015). Collection method: clinical testing. Allele origin: germline.
Comment: This sequence change replaces tyrosine, which is neutral and polar, with cysteine, which is neutral and slightly polar, at codon 4225 of the USH2A protein (p.Tyr4225Cys). This variant is not present in population databases (gnomAD no frequency). This variant has not been reported in the literature in individuals affected with USH2A-related conditions. Algorithms developed to predict the effect of missense changes on protein structure and function output the following: SIFT: "Tolerated"; PolyPhen-2: "Benign"; Align-GVGD: "Class C0". The cysteine amino acid residue is found in multiple mammalian species, which suggests that this missense change does not adversely affect protein function. In summary, the available evidence is currently insufficient to determine the role of this variant in disease. Therefore, it has been classified as a Variant of Uncertain Significance.

NM_206933.4(USH2A):c.12674A>G (p.Tyr4225Cys)

Gene: USH2A (usherin; minus strand). Cytogenetic location: 1q41.
Variant type: single nucleotide variant.
Coding change: c.12674A>G on transcript NM_206933.4 (MANE Select); coding-DNA position 12674, A replaced by G.
Protein change: p.Tyr4225Cys; replaces tyrosine 4225 with cysteine.
Molecular consequence: missense variant.
Genome position (GRCh38, 1-based): chr1:215,675,237, T>C on the plus strand (A>G on the coding strand, the complement: USH2A is on the minus strand). VCF-style: chr1-215675237-T-C. GRCh37 (hg19) VCF-style: chr1-215848579-T-C.
Other names: short protein forms Y4225C.
Identifiers: ClinVar variation 2073883 (VCV002073883.1), dbSNP rs1657978770, ClinGen allele CA344849969.